The following is an entry in ClinVar:

NM_181303.2(NLGN3):c.2331C>T (p.Ala777=)

Gene: NLGN3 (neuroligin 3; plus strand). Cytogenetic location: Xq13.1.
Variant type: single nucleotide variant.
Coding change: c.2331C>T on transcript NM_181303.2 (MANE Select); coding-DNA position 2331, C replaced by T.
Protein change: p.Ala777=; no amino-acid change (alanine 777 retained).
Molecular consequence: synonymous variant.
Genome position (GRCh38, 1-based): chrX:71,169,881, C>T. VCF-style: chrX-71169881-C-T. GRCh37 (hg19) VCF-style: chrX-70389731-C-T.
Other names: c.2211C>T, p.Ala737= (NM_001166660.2); c.1920C>T, p.Ala640= (NM_001321276.2); c.2271C>T, p.Ala757= (NM_018977.4).
Identifiers: ClinVar variation 211676 (VCV000211676.31), dbSNP rs759656254, ClinGen allele CA208577.

ClinVar aggregate classification (germline): Conflicting classifications of pathogenicity. Review status: criteria provided, conflicting classifications (1 of 4 stars). 3 submissions from 3 submitters: Uncertain significance (1); Likely benign (2). Last evaluated 2024-09-03.

Allele frequency attached by ClinVar (database versions not stated): gnomAD below 0.00001 and 0.00003; TOPMed 0.00002; gnomAD exomes 0.00008 and 0.00019; ExAC 0.00030.
gnomAD v4.1: 91 of 1,196,481 alleles (0.0076%); highest among the groups gnomAD compares: South Asian, 0.15%; no homozygotes.

Submissions (3):

Blueprint Genetics
Classification: Likely benign. Last evaluated: 2024-09-03. Review status: criteria provided, single submitter. Criteria: ACMG Guidelines, 2015. Collection method: clinical testing. Allele origin: germline.

CeGaT Center for Human Genetics Tuebingen
Classification: Likely benign. Last evaluated: 2022-10-01. Review status: criteria provided, single submitter. Criteria: CeGaT Center For Human Genetics Tuebingen Variant Classification Criteria Version 2. Collection method: clinical testing. Allele origin: germline. Affected: yes. Observed: 1 variant allele.
Comment: NLGN3: BP4, BP7

Genetic Services Laboratory, University of Chicago
Classification: Uncertain significance. Last evaluated: 2015-01-15. Review status: criteria provided, single submitter. Criteria: ACMG Guidelines, 2015. Collection method: clinical testing. Allele origin: germline.